The following is an entry in ClinVar:

NM_145290.4(ADGRA3):c.110C>G (p.Ala37Gly)

Gene: ADGRA3 (adhesion G protein-coupled receptor A3; minus strand). Cytogenetic location: 4p15.2.
Variant type: single nucleotide variant.
Coding change: c.110C>G on transcript NM_145290.4 (MANE Select); coding-DNA position 110, C replaced by G.
Protein change: p.Ala37Gly; replaces alanine 37 with glycine.
Molecular consequence: missense variant.
Genome position (GRCh38, 1-based): chr4:22,515,675, G>C on the plus strand (C>G on the coding strand, the complement: ADGRA3 is on the minus strand). VCF-style: chr4-22515675-G-C. GRCh37 (hg19) VCF-style: chr4-22517298-G-C.
Other names: c.110C>G (NM_145290.2); short protein forms A37G.
Identifiers: ClinVar variation 1371622 (VCV001371622.7), dbSNP rs777241546, ClinGen allele CA356507833.

ClinVar aggregate classification (germline): Uncertain significance. Review status: criteria provided, multiple submitters, no conflicts (2 of 4 stars). 2 submissions from 2 submitters: Uncertain significance (2). Last evaluated 2025-08-24.

Allele frequency attached by ClinVar (database versions not stated): TOPMed 0.00004.
gnomAD v4.1: 11 of 1,154,760 alleles (0.00095%); highest among the groups gnomAD compares: Admixed American, 0.02%; no homozygotes.

Submissions (2):

Ambry Genetics
Classification: Uncertain significance. Last evaluated: 2025-08-24. Review status: criteria provided, single submitter. Criteria: Ambry Variant Classification Scheme 2023. Collection method: clinical testing. Allele origin: germline.

Labcorp Genetics (formerly Invitae), Labcorp
Classification: Uncertain significance. Last evaluated: 2022-03-22. Review status: criteria provided, single submitter. Criteria: Invitae Variant Classification Sherloc (09022015). Collection method: clinical testing. Allele origin: germline.
Comment: This sequence change replaces alanine, which is neutral and non-polar, with glycine, which is neutral and non-polar, at codon 37 of the ADGRA3 protein (p.Ala37Gly). Algorithms developed to predict the effect of missense changes on protein structure and function are either unavailable or do not agree on the potential impact of this missense change (SIFT: "Deleterious"; PolyPhen-2: "Not Available"; Align-GVGD: "Class C0"). This variant is not present in population databases (gnomAD no frequency). This variant has not been reported in the literature in individuals affected with ADGRA3-related conditions. In summary, the available evidence is currently insufficient to determine the role of this variant in disease. Therefore, it has been classified as a Variant of Uncertain Significance.